The following is an entry in ClinVar:

NM_000297.4(PKD2):c.1046_1047insGA (p.Val350fs)

Gene: PKD2 (polycystin 2, transient receptor potential cation channel; plus strand). Cytogenetic location: 4q22.1.
Variant type: Insertion.
Coding change: c.1046_1047insGA on transcript NM_000297.4 (MANE Select); coding-DNA positions 1046 to 1047, GA inserted.
Protein change: p.Val350fs; shifts the reading frame from valine 350.
Molecular consequence: frameshift variant. On other transcripts: non-coding transcript variant (1).
Genome position: GRCh38 VCF-style: chr4-88038453-C-CGA. GRCh37 (hg19) VCF-style: chr4-88959605-C-CGA.
Other names: short protein forms V350fs.
Identifiers: ClinVar variation 3907780 (VCV003907780.1).

ClinVar aggregate classification (germline): Pathogenic (1 of 4 stars; one submission).

Submission:

GeneDx
Classification: Pathogenic. Last evaluated: 2024-12-23. Review status: criteria provided, single submitter. Criteria: GeneDx Variant Classification Process June 2021. Collection method: clinical testing. Allele origin: germline. Affected: yes.
Comment: Frameshift variant predicted to result in protein truncation or nonsense mediated decay in a gene for which loss of function is a known mechanism of disease; Not observed at significant frequency in large population cohorts (gnomAD); Has not been previously published as pathogenic or benign to our knowledge